The following is an entry in ClinVar:

NM_015884.4(MBTPS2):c.218A>G (p.Tyr73Cys)

Gene: MBTPS2 (membrane bound transcription factor peptidase, site 2; plus strand). Cytogenetic location: Xp22.12.
Variant type: single nucleotide variant.
Coding change: c.218A>G on transcript NM_015884.4 (MANE Select); coding-DNA position 218, A replaced by G.
Protein change: p.Tyr73Cys; replaces tyrosine 73 with cysteine.
Molecular consequence: missense variant.
Genome position (GRCh38, 1-based): chrX:21,843,312, A>G. VCF-style: chrX-21843312-A-G. GRCh37 (hg19) VCF-style: chrX-21861430-A-G.
Other names: short protein forms Y73C.
Identifiers: ClinVar variation 736432 (VCV000736432.15), dbSNP rs149889191, ClinGen allele CA10367307.

ClinVar aggregate classification (germline): Conflicting classifications of pathogenicity. Review status: criteria provided, conflicting classifications (1 of 4 stars). 5 submissions from 5 submitters: Uncertain significance (1); Benign (1); Likely benign (2). 1 of the submissions does not count toward it. Last evaluated 2025-11-19.

Conditions:
MBTPS2-related disorder. Also called: MBTPS2-related condition.
Skeletal dysplasia. Also called: Primary bone dysplasia. Identifiers: Orphanet 364526, MedGen C0410528, MONDO:0018230, HP:0002652.
Inborn genetic diseases. Identifiers: MedGen C0950123, MeSH D030342.

Allele frequency attached by ClinVar (database versions not stated): gnomAD exomes 0.00013 and 0.00023; ExAC 0.00016; gnomAD 0.00018; TOPMed 0.00025; 1000 Genomes Project 0.00026; ESP Exome Variant Server 0.00028; 1000 Genomes Project 30x 0.00042.
gnomAD v4.1: 277 of 1,208,412 alleles (0.023%); highest among the groups gnomAD compares: Non-Finnish European, 0.029%; no homozygotes.

Submissions (5):

Labcorp Genetics (formerly Invitae), Labcorp
Classification: Benign. Last evaluated: 2025-11-19. Review status: criteria provided, single submitter. Criteria: Invitae Variant Classification Sherloc (09022015). Collection method: clinical testing. Allele origin: germline.

Women's Health and Genetics/Laboratory Corporation of America, LabCorp
Classification: Likely benign. Last evaluated: 2024-02-07. Review status: criteria provided, single submitter. Criteria: LabCorp Variant Classification Summary - May 2015. Collection method: clinical testing. Allele origin: germline.
Comment: Variant summary: MBTPS2 c.218A>G (p.Tyr73Cys) results in a non-conservative amino acid change in the encoded protein sequence. Five of five in-silico tools predict a damaging effect of the variant on protein function. The variant allele was found at a frequency of 0.00023 in 1208412 control chromosomes including 71 hemizygotes (gnomAD database, v4.0.0), suggesting a benign role for the variant. To our knowledge, no occurrence of c.218A>G in individuals affected with MBTPS2-Related Disorders and no experimental evidence demonstrating its impact on protein function have been reported. ClinVar contains an entry for this variant (Variation ID: 736432). Based on the evidence outlined above, the variant was classified as likely benign.

Ambry Genetics
Classification: Likely benign for Inborn genetic diseases. Last evaluated: 2021-11-12. Review status: criteria provided, single submitter. Criteria: Ambry Variant Classification Scheme 2023. Collection method: clinical testing. Allele origin: germline.

Cambridge Genomics Laboratory, East Genomic Laboratory Hub, NHS Genomic Medicine Service
Classification: Uncertain significance for Skeletal dysplasia. Last evaluated: 2019-11-28. Review status: criteria provided, single submitter. Criteria: ACGS Best Practice Guidelines for Variant Classification in Rare Disease 2020. Collection method: clinical testing. Allele origin: germline. Affected: yes. Observed: 1 variant allele.

PreventionGenetics, part of Exact Sciences
Classification: Likely benign for MBTPS2-related condition. Last evaluated: 2021-02-21. Review status: no assertion criteria provided. Collection method: clinical testing. Allele origin: germline. Not counted in ClinVar's aggregate classification.
Comment: This variant is classified as likely benign based on ACMG/AMP sequence variant interpretation guidelines (Richards et al. 2015 PMID: 25741868, with internal and published modifications).